The following is an entry in ClinVar:

NM_004360.5(CDH1):c.1099G>A (p.Asp367Asn)

Gene: CDH1 (cadherin 1; plus strand). Cytogenetic location: 16q22.1.
Variant type: single nucleotide variant.
Coding change: c.1099G>A on transcript NM_004360.5 (MANE Select); coding-DNA position 1099, G replaced by A.
Protein change: p.Asp367Asn; replaces aspartic acid 367 with asparagine.
Molecular consequence: missense variant. On other transcripts: 5 prime UTR variant (2).
Genome position (GRCh38, 1-based): chr16:68,812,225, G>A. VCF-style: chr16-68812225-G-A. GRCh37 (hg19) VCF-style: chr16-68846128-G-A.
Other names: c.1099G>A, p.Asp367Asn (NM_001317184.2); c.-517G>A (NM_001317185.2); c.-721G>A (NM_001317186.2); short protein forms D367N.
Identifiers: ClinVar variation 5033980 (VCV005033980.1).

ClinVar aggregate classification (germline): Uncertain significance (1 of 4 stars; one submission).

Conditions:
Hereditary cancer-predisposing syndrome. Also called: Neoplastic Syndromes, Hereditary; Tumor predisposition; Hereditary neoplastic syndrome; Hereditary Cancer Syndrome. Identifiers: Orphanet 140162, MedGen C0027672, MeSH D009386, MONDO:0015356.

Submission:

Ambry Genetics
Classification: Uncertain significance for Hereditary cancer-predisposing syndrome. Last evaluated: 2026-07-07. Review status: criteria provided, single submitter. Criteria: Ambry Variant Classification Scheme 2023. Collection method: clinical testing. Allele origin: germline.
Comment: The p.D367N variant (also known as c.1099G>A), located in coding exon 8 of the CDH1 gene, results from a G to A substitution at nucleotide position 1099. The aspartic acid at codon 367 is replaced by asparagine, an amino acid with highly similar properties. This amino acid position is conserved. In addition, this alteration is predicted to be tolerated by in silico analysis. Based on the available evidence, the clinical significance of this variant remains unclear.